The following is an entry in ClinVar:

ClinVar aggregate classification (germline): Conflicting classifications of pathogenicity. Review status: criteria provided, conflicting classifications (1 of 4 stars). 3 submissions from 3 submitters: Likely pathogenic (1); Uncertain significance (2). Last evaluated 2026-01-19.

Allele frequency attached by ClinVar (database versions not stated): gnomAD exomes 0.00002; ExAC 0.00003; gnomAD 0.00003; TOPMed 0.00003.
gnomAD v4.1: 33 of 1,613,982 alleles (0.002%); highest among the groups gnomAD compares: Non-Finnish European, 0.0022%; no homozygotes.

Submissions (3):

Labcorp Genetics (formerly Invitae), Labcorp
Classification: Likely pathogenic. Last evaluated: 2026-01-19. Review status: criteria provided, single submitter. Criteria: Invitae Variant Classification Sherloc (09022015). Collection method: clinical testing. Allele origin: germline.
Comment: This sequence change replaces glutamic acid, which is acidic and polar, with aspartic acid, which is acidic and polar, at codon 432 of the MUT protein (p.Glu432Asp). This variant is present in population databases (rs748225883, gnomAD 0.007%). This variant has not been reported in the literature in individuals affected with MUT-related conditions. ClinVar contains an entry for this variant (Variation ID: 2049005). Invitae Evidence Modeling of protein sequence and biophysical properties (such as structural, functional, and spatial information, amino acid conservation, physicochemical variation, residue mobility, and thermodynamic stability) indicates that this missense variant is expected to disrupt MUT protein function with a positive predictive value of 95%. This variant disrupts the p.Glu432 amino acid residue in MUT. Other variant(s) that disrupt this residue have been determined to be pathogenic (PMID: 23430940, 26454439, 31622506). This suggests that this residue is clinically significant, and that variants that disrupt this residue are likely to be disease-causing. In summary, the currently available evidence indicates that the variant is pathogenic, but additional data are needed to prove that conclusively. Therefore, this variant has been classified as Likely Pathogenic.

Blueprint Genetics
Classification: Uncertain significance. Last evaluated: 2024-09-12. Review status: criteria provided, single submitter. Criteria: ACMG Guidelines, 2015. Collection method: clinical testing. Allele origin: germline.

Ambry Genetics
Classification: Uncertain significance. Last evaluated: 2022-03-08. Review status: criteria provided, single submitter. Criteria: Ambry Variant Classification Scheme 2023. Collection method: clinical testing. Allele origin: germline.

Literature cited by the submitters: PubMed 23430940 (cited by Labcorp Genetics (formerly Invitae), Labcorp); PubMed 26454439 (cited by Labcorp Genetics (formerly Invitae), Labcorp); PubMed 31622506 (cited by Labcorp Genetics (formerly Invitae), Labcorp).

NM_000255.4(MMUT):c.1296A>C (p.Glu432Asp)

Gene: MMUT (methylmalonyl-CoA mutase; minus strand). Cytogenetic location: 6p12.3.
Variant type: single nucleotide variant.
Coding change: c.1296A>C on transcript NM_000255.4 (MANE Select); coding-DNA position 1296, A replaced by C.
Protein change: p.Glu432Asp; replaces glutamic acid 432 with aspartic acid.
Molecular consequence: missense variant.
Genome position (GRCh38, 1-based): chr6:49,451,502, T>G on the plus strand (A>C on the coding strand, the complement: MMUT is on the minus strand). VCF-style: chr6-49451502-T-G. GRCh37 (hg19) VCF-style: chr6-49419215-T-G.
Other names: c.1296A>C (NM_000255.3); short protein forms E432D.
Identifiers: ClinVar variation 2049005 (VCV002049005.6), dbSNP rs748225883, ClinGen allele CA3846925.
Genomic context (GRCh38, chr6:49,451,502, plus strand): 5'-AAGTTGCAAAGTGGAAAAACTTACCTTTAAAGCAGCATCATAAACATCATTTGTGAGACA[T>G]TCCATCATGTAAGAACCTCCCCAAGGATCAGCCACTTTGGGAATCCCAGATTCTTCTTGA-3'
Protein context (NP_000246.2, residues 422-442): ADPWGGSYMM[Glu432Asp]CLTNDVYDAA